The following is an entry in ClinVar:

ClinVar aggregate classification (germline): Conflicting classifications of pathogenicity. Review status: criteria provided, conflicting classifications (1 of 4 stars). 9 submissions from 9 submitters: Uncertain significance (1); Benign (4); Likely benign (3). 1 of the submissions does not count toward it. Last evaluated 2026-05-19.

Conditions:
Birt-Hogg-Dube syndrome 1 (BHD1). Also called: FIBROFOLLICULOMAS WITH TRICHODISCOMAS AND ACROCHORDONS. Identifiers: Orphanet 122, MedGen CN375946, MONDO:0800445, OMIM 135150.
FLCN-related disorder. Also called: FLCN-related condition.
Hereditary cancer-predisposing syndrome. Also called: Hereditary Cancer Syndrome; Tumor predisposition; Hereditary neoplastic syndrome; Neoplastic Syndromes, Hereditary. Identifiers: Orphanet 140162, MedGen C0027672, MeSH D009386, MONDO:0015356.
Birt-Hogg-Dube syndrome. Also called: Birt Hogg Dubé syndrome. Identifiers: Orphanet 122, MedGen C0346010, MONDO:0800444.

Allele frequency attached by ClinVar (database versions not stated): gnomAD exomes 0.00007 and 0.00021; ExAC 0.00026; 1000 Genomes Project 30x 0.00047; 1000 Genomes Project 0.00060; gnomAD 0.00074 and 0.00080; TOPMed 0.00104; ESP Exome Variant Server 0.00123.

Submissions (9):

Myriad Genetics, Inc.
Classification: Benign for Birt-Hogg-Dube syndrome 1. Last evaluated: 2026-05-19. Review status: criteria provided, single submitter. Criteria: Myriad Autosomal Dominant, Autosomal Recessive and X-Linked Classification Criteria (2023). Collection method: clinical testing. Allele origin: unknown.
Comment: This variant is considered benign. This variant has been observed at a population frequency that is significantly greater than expected given the associated disease prevalence and penetrance. Homozygosity has been confirmed in one or more individuals. As homozygosity for pathogenic variants in this gene is generally assumed to result in embryonic lethality, this variant is unlikely to be pathogenic.

Labcorp Genetics (formerly Invitae), Labcorp
Classification: Benign for Birt-Hogg-Dube syndrome. Last evaluated: 2026-02-03. Review status: criteria provided, single submitter. Criteria: Invitae Variant Classification Sherloc (09022015). Collection method: clinical testing. Allele origin: germline.

Center for Genomic Medicine, Rigshospitalet, Copenhagen University Hospital
Classification: Uncertain significance. Last evaluated: 2025-03-04. Review status: criteria provided, single submitter. Criteria: ACMG Guidelines, 2015. Collection method: clinical testing. Allele origin: germline.

Blueprint Genetics
Classification: Likely benign. Last evaluated: 2024-11-26. Review status: criteria provided, single submitter. Criteria: ACMG Guidelines, 2015. Collection method: clinical testing. Allele origin: germline.

Quest Diagnostics Nichols Institute San Juan Capistrano
Classification: Benign. Last evaluated: 2021-08-30. Review status: criteria provided, single submitter. Criteria: Quest Diagnostics criteria. Collection method: clinical testing. Allele origin: unknown.

Sema4
Classification: Likely benign for Hereditary cancer-predisposing syndrome. Last evaluated: 2021-05-20. Review status: criteria provided, single submitter. Criteria: Sema4 Curation Guidelines. Collection method: curation. Allele origin: germline.

GeneDx
Classification: Likely benign. Last evaluated: 2021-03-07. Review status: criteria provided, single submitter. Criteria: GeneDx Variant Classification Process June 2021. Collection method: clinical testing. Allele origin: germline. Affected: yes.
Comment: This variant is associated with the following publications: (PMID: 28873162)

Ambry Genetics
Classification: Benign for Hereditary cancer-predisposing syndrome. Last evaluated: 2015-10-29. Review status: criteria provided, single submitter. Criteria: Ambry Variant Classification Scheme 2023. Collection method: clinical testing. Allele origin: germline.

PreventionGenetics, part of Exact Sciences
Classification: Likely benign for FLCN-related condition. Last evaluated: 2022-01-26. Review status: no assertion criteria provided. Collection method: clinical testing. Allele origin: germline. Not counted in ClinVar's aggregate classification.
Comment: This variant is classified as likely benign based on ACMG/AMP sequence variant interpretation guidelines (Richards et al. 2015 PMID: 25741868, with internal and published modifications).

NM_144997.7(FLCN):c.1414C>G (p.Pro472Ala)

Gene: FLCN (folliculin; minus strand). Cytogenetic location: 17p11.2.
Variant type: single nucleotide variant.
Coding change: c.1414C>G on transcript NM_144997.7 (MANE Select); coding-DNA position 1414, C replaced by G.
Protein change: p.Pro472Ala; replaces proline 472 with alanine.
Molecular consequence: missense variant.
Genome position (GRCh38, 1-based): chr17:17,215,203, G>C on the plus strand (C>G on the coding strand, the complement: FLCN is on the minus strand). VCF-style: chr17-17215203-G-C. GRCh37 (hg19) VCF-style: chr17-17118517-G-C.
Other names: c.1414C>G, p.Pro472Ala (NM_001353231.2, NM_001353230.2); c.1414C>G (LRG_325t1); c.1468C>G, p.Pro490Ala (NM_001353229.2); short protein forms P472A, P490A.
Identifiers: ClinVar variation 241918 (VCV000241918.24), dbSNP rs151312899, ClinGen allele CA8416009.